The following is an entry in ClinVar:

ClinVar aggregate classification (germline): Benign/Likely benign. Review status: criteria provided, multiple submitters, no conflicts (2 of 4 stars). 5 submissions from 5 submitters: Benign (1); Likely benign (4). Last evaluated 2025-11-26.

Conditions:
Cardiovascular phenotype. Identifiers: MedGen CN230736.
Atrial septal defect 5 (ASD5). Identifiers: Orphanet 1478, MedGen C2748552, MONDO:0013011, OMIM 612794.
Hypertrophic cardiomyopathy 11. Also called: ACTC1-Related Familial Hypertrophic Cardiomyopathy. Identifiers: MedGen C2677506, MONDO:0012799, OMIM 612098.
Dilated cardiomyopathy 1R (CMD1R). Identifiers: Orphanet 154, Orphanet 54260, MedGen C3150681, MONDO:0013261, OMIM 613424.
Cardiomyopathy (CMYO). Also called: Cardiomyopathies. Identifiers: Orphanet 167848, MedGen C0878544, MONDO:0004994, HP:0001638. Inheritance: Various modes of inheritance.
Hypertrophic cardiomyopathy. Also called: HYPERTROPHIC MYOCARDIOPATHY. Identifiers: Orphanet 217569, MedGen C0007194, MeSH D002312, MONDO:0005045, HP:0001639.

Allele frequency attached by ClinVar (database versions not stated): gnomAD 0.00001; gnomAD exomes 0.00001; TOPMed 0.00001.
gnomAD v4.1: 11 of 1,614,048 alleles (0.00068%); highest among the groups gnomAD compares: African/African-American, 0.004%; no homozygotes.

Submissions (5):

Labcorp Genetics (formerly Invitae), Labcorp
Classification: Likely benign for Dilated cardiomyopathy 1R; Hypertrophic cardiomyopathy 11; Atrial septal defect 5. Last evaluated: 2025-11-26. Review status: criteria provided, single submitter. Criteria: Invitae Variant Classification Sherloc (09022015). Collection method: clinical testing. Allele origin: germline.

Ambry Genetics
Classification: Likely benign for Cardiovascular phenotype. Last evaluated: 2023-06-09. Review status: criteria provided, single submitter. Criteria: Ambry Variant Classification Scheme 2023. Collection method: clinical testing. Allele origin: germline.

All of Us Research Program, National Institutes of Health
Classification: Likely benign for Hypertrophic cardiomyopathy. Last evaluated: 2023-03-09. Review status: criteria provided, single submitter. Criteria: ACMG Guidelines, 2015. Collection method: clinical testing. Allele origin: germline. Inheritance: Autosomal dominant inheritance. Observed: 2 variant alleles, 2 heterozygotes.
Comment: This study involves interpretation of variants in research participants for the purpose of population health screening. Participant phenotype was not available at the time of variant classification. Additional details can be found in publication PMID: 35346344, PMCID: PMC8962531

Color Diagnostics, LLC DBA Color Health
Classification: Likely benign for Cardiomyopathy. Last evaluated: 2018-08-12. Review status: criteria provided, single submitter. Criteria: ACMG Guidelines, 2015. Collection method: clinical testing. Allele origin: germline.

GeneDx
Classification: Benign. Last evaluated: 2015-03-03. Review status: criteria provided, single submitter. Criteria: GeneDx Variant Classification Process June 2021. Collection method: clinical testing. Allele origin: germline. Affected: yes.

NM_005159.5(ACTC1):c.240C>T (p.Asn80=)

Genes: GJD2-DT (GJD2 divergent transcript; plus strand), ACTC1 (actin alpha cardiac muscle 1; minus strand). Cytogenetic location: 15q14.
Variant type: single nucleotide variant.
Coding change: c.240C>T on transcript NM_005159.5 (MANE Select); coding-DNA position 240, C replaced by T.
Protein change: p.Asn80=; no amino-acid change (asparagine 80 retained).
Molecular consequence: synonymous variant.
Genome position (GRCh38, 1-based): chr15:34,793,459, G>A on the plus strand (C>T on the coding strand, the complement: ACTC1 is on the minus strand). VCF-style: chr15-34793459-G-A. GRCh37 (hg19) VCF-style: chr15-35085660-G-A.
Other names: c.240C>T (LRG_388t1).
Identifiers: ClinVar variation 629023 (VCV000629023.14), dbSNP rs1178754602, ClinGen allele CA489655841.